The following is an entry in ClinVar:

ClinVar aggregate classification (germline): Likely benign. Review status: criteria provided, multiple submitters, no conflicts (2 of 4 stars). 2 submissions from 2 submitters: Likely benign (2). Last evaluated 2025-08-13.

Conditions:
SCLT1-related disorder. Also called: SCLT1-related condition.

gnomAD v4.1: 7 of 1,613,102 alleles (0.00043%); highest among the groups gnomAD compares: Middle Eastern, 0.017%; no homozygotes.

Submissions (2):

Labcorp Genetics (formerly Invitae), Labcorp
Classification: Likely benign. Last evaluated: 2025-08-13. Review status: criteria provided, single submitter. Criteria: Invitae Variant Classification Sherloc (09022015). Collection method: clinical testing. Allele origin: germline.

PreventionGenetics, part of Exact Sciences
Classification: Likely benign for SCLT1-related condition. Last evaluated: 2024-12-31. Review status: criteria provided, single submitter. Criteria: ACMG Guidelines, 2015. Collection method: clinical testing. Allele origin: germline.
Comment: This variant is classified as likely benign based on ACMG/AMP sequence variant interpretation guidelines (Richards et al. 2015 PMID: 25741868, with internal and published modifications).

NM_144643.4(SCLT1):c.1533A>G (p.Glu511=)

Gene: SCLT1 (sodium channel and clathrin linker 1; minus strand). Cytogenetic location: 4q28.2.
Variant type: single nucleotide variant.
Coding change: c.1533A>G on transcript NM_144643.4 (MANE Select); coding-DNA position 1533, A replaced by G.
Protein change: p.Glu511=; no amino-acid change (glutamic acid 511 retained).
Molecular consequence: synonymous variant. On other transcripts: intron variant (1).
Genome position (GRCh38, 1-based): chr4:128,943,095, T>C on the plus strand (A>G on the coding strand, the complement: SCLT1 is on the minus strand). VCF-style: chr4-128943095-T-C. GRCh37 (hg19) VCF-style: chr4-129864250-T-C.
Other names: c.1533A>G (NM_144643.3); c.1439+2912A>G (NM_001410807.1).
Identifiers: ClinVar variation 4776989 (VCV004776989.2).